The following is an entry in ClinVar:

ClinVar aggregate classification (germline): Uncertain significance (1 of 4 stars; one submission).

Conditions:
Familial cancer of breast. Also called: hereditary breast carcinoma; Hereditary breast cancer; BREAST CANCER, FAMILIAL. Identifiers: Orphanet 227535, MedGen C0346153, MONDO:0016419, OMIM 114480. Disease mechanism: loss of function.

Submission:

Labcorp Genetics (formerly Invitae), Labcorp
Classification: Uncertain significance for Familial cancer of breast. Last evaluated: 2021-11-23. Review status: criteria provided, single submitter. Criteria: Invitae Variant Classification Sherloc (09022015). Collection method: clinical testing. Allele origin: germline.
Comment: This variant is not present in population databases (gnomAD no frequency). In summary, the available evidence is currently insufficient to determine the role of this variant in disease. Therefore, it has been classified as a Variant of Uncertain Significance. Algorithms developed to predict the effect of missense changes on protein structure and function (SIFT, PolyPhen-2, Align-GVGD) all suggest that this variant is likely to be tolerated. ClinVar contains an entry for this variant (Variation ID: 846622). This variant has not been reported in the literature in individuals affected with CHEK2-related conditions. This sequence change replaces alanine, which is neutral and non-polar, with aspartic acid, which is acidic and polar, at codon 537 of the CHEK2 protein (p.Ala537Asp).

NM_007194.4(CHEK2):c.1610C>A (p.Ala537Asp)

Gene: CHEK2 (checkpoint kinase 2; minus strand). Cytogenetic location: 22q12.1.
Variant type: single nucleotide variant.
Coding change: c.1610C>A on transcript NM_007194.4 (MANE Select); coding-DNA position 1610, C replaced by A.
Protein change: p.Ala537Asp; replaces alanine 537 with aspartic acid.
Molecular consequence: missense variant.
Genome position (GRCh38, 1-based): chr22:28,687,919, G>T on the plus strand (C>A on the coding strand, the complement: CHEK2 is on the minus strand). VCF-style: chr22-28687919-G-T. GRCh37 (hg19) VCF-style: chr22-29083907-G-T.
Other names: c.1739C>A, p.Ala580Asp (NM_001005735.3); c.947C>A, p.Ala316Asp (NM_001257387.3); c.1409C>A, p.Ala470Asp (NM_001349956.3); c.1523C>A, p.Ala508Asp (NM_145862.3); short protein forms A470D, A508D, A537D, A316D, A580D.
Identifiers: ClinVar variation 846622 (VCV000846622.8), dbSNP rs1064795821, ClinGen allele CA411091012.